The following is an entry in ClinVar:

NM_001312909.2(FAM111A):c.257A>G (p.His86Arg)

Gene: FAM111A (FAM111 trypsin like peptidase A; plus strand). Cytogenetic location: 11q12.1.
Variant type: single nucleotide variant.
Coding change: c.257A>G on transcript NM_001312909.2 (MANE Select); coding-DNA position 257, A replaced by G.
Protein change: p.His86Arg; replaces histidine 86 with arginine.
Molecular consequence: missense variant.
Genome position (GRCh38, 1-based): chr11:59,151,925, A>G. VCF-style: chr11-59151925-A-G. GRCh37 (hg19) VCF-style: chr11-58919398-A-G.
Other names: c.257A>G, p.His86Arg (NM_001142519.3, NM_001142520.3, NM_001142521.3 and 29 more transcripts); short protein forms H86R.
Identifiers: ClinVar variation 2853486 (VCV002853486.3), dbSNP rs2496274198, ClinGen allele CA380771557.

ClinVar aggregate classification (germline): Uncertain significance (1 of 4 stars; one submission).

Submission:

Labcorp Genetics (formerly Invitae), Labcorp
Classification: Uncertain significance. Last evaluated: 2023-04-12. Review status: criteria provided, single submitter. Criteria: Invitae Variant Classification Sherloc (09022015). Collection method: clinical testing. Allele origin: germline.
Comment: This sequence change replaces histidine, which is basic and polar, with arginine, which is basic and polar, at codon 86 of the FAM111A protein (p.His86Arg). This variant is not present in population databases (gnomAD no frequency). This variant has not been reported in the literature in individuals affected with FAM111A-related conditions. Advanced modeling of protein sequence and biophysical properties (such as structural, functional, and spatial information, amino acid conservation, physicochemical variation, residue mobility, and thermodynamic stability) performed at Invitae indicates that this missense variant is not expected to disrupt FAM111A protein function. In summary, the available evidence is currently insufficient to determine the role of this variant in disease. Therefore, it has been classified as a Variant of Uncertain Significance.